The following is an entry in ClinVar:

NM_001267550.2(TTN):c.45273C>T (p.Asn15091=)

Genes: TTN (titin; minus strand), LOC126806427 (BRD4-independent group 4 enhancer GRCh37_chr2:179485777-179486976; plus strand). Cytogenetic location: 2q31.2.
Variant type: single nucleotide variant.
Coding change: c.45273C>T on transcript NM_001267550.2 (MANE Select); coding-DNA position 45273, C replaced by T.
Protein change: p.Asn15091=; no amino-acid change (asparagine 15091 retained).
Molecular consequence: synonymous variant.
Genome position (GRCh38, 1-based): chr2:178,621,551, G>A on the plus strand (C>T on the coding strand, the complement: TTN is on the minus strand). VCF-style: chr2-178621551-G-A. GRCh37 (hg19) VCF-style: chr2-179486278-G-A.
Other names: p.N13450N:AAC>AAT; p.Asn13450=; c.40350C>T, p.Asn13450= (NM_001256850.1); c.18078C>T, p.Asn6026= (NM_003319.4); c.37569C>T, p.Asn12523= (NM_133378.4); c.18453C>T, p.Asn6151= (NM_133432.3); c.18654C>T, p.Asn6218= (NM_133437.4).
Identifiers: ClinVar variation 178211 (VCV000178211.75), dbSNP rs72677223, ClinGen allele CA295747.

ClinVar aggregate classification (germline): Conflicting classifications of pathogenicity. Review status: criteria provided, conflicting classifications (1 of 4 stars). 21 submissions from 17 submitters: Uncertain significance (4); Benign (4); Likely benign (8). 5 of the submissions do not count toward it. Last evaluated 2026-05-01.

Conditions:
Dilated cardiomyopathy 1G (CMD1G). Identifiers: Orphanet 154, MedGen C1858763, MONDO:0011400, OMIM 604145.
Autosomal recessive limb-girdle muscular dystrophy type 2J (LGMDR10). Also called: MUSCULAR DYSTROPHY, LIMB-GIRDLE, AUTOSOMAL RECESSIVE 10; Limb-girdle muscular dystrophy, type 2J. Identifiers: Orphanet 140922, MedGen C1837342, MONDO:0012127, OMIM 608807.
TTN-related disorder. Also called: TTN-related disorders; TTN-related condition; TTN-related disease.
Cardiovascular phenotype. Identifiers: MedGen CN230736.
Cardiomyopathy (CMYO). Also called: Cardiomyopathies. Identifiers: Orphanet 167848, MedGen C0878544, MONDO:0004994, HP:0001638. Inheritance: Various modes of inheritance.
Early-onset myopathy with fatal cardiomyopathy (CMYO5). Also called: CONGENITAL MYOPATHY 5 WITH CARDIOMYOPATHY; Salih Myopathy. Identifiers: Orphanet 289377, MedGen C2673677, MONDO:0012714, OMIM 611705. Disease mechanism: loss of function.
Myopathy, myofibrillar, 9, with early respiratory failure (MFM9). Also called: Hereditary myopathy with early respiratory failure; EDSTROM MYOPATHY; Myopathy, distal, with early respiratory failure, autosomal dominant; MYOPATHY, PROXIMAL, WITH EARLY RESPIRATORY MUSCLE INVOLVEMENT. Identifiers: Orphanet 178464, Orphanet 34521, MedGen C1863599, MONDO:0011362, OMIM 603689.
Tibial muscular dystrophy (TMD). Also called: Udd Distal Myopathy – Tibial Muscular Dystrophy; Tibial muscular dystrophy, tardive; UDD MYOPATHY. Identifiers: Orphanet 609, MedGen C1838244, MONDO:0010870, OMIM 600334.

Allele frequency attached by ClinVar (database versions not stated): gnomAD 0.00028 and 0.00026; gnomAD exomes 0.00034 and 0.00033; ESP Exome Variant Server 0.00040; ExAC 0.00029; TOPMed 0.00032.
gnomAD v4.1: 519 of 1,612,306 alleles (0.032%); highest among the groups gnomAD compares: Non-Finnish European, 0.04%; no homozygotes.

Submissions (21):

CeGaT Center for Human Genetics Tuebingen
Classification: Likely benign. Last evaluated: 2026-05-01. Review status: criteria provided, single submitter. Criteria: CeGaT Center For Human Genetics Tuebingen Variant Classification Criteria Version 2. Collection method: clinical testing. Allele origin: germline. Affected: yes. Observed: 8 variant alleles.
Comment: TTN: BP4, BP7

Labcorp Genetics (formerly Invitae), Labcorp
Classification: Likely benign for Dilated cardiomyopathy 1G; Autosomal recessive limb-girdle muscular dystrophy type 2J. Last evaluated: 2026-01-22. Review status: criteria provided, single submitter. Criteria: Invitae Variant Classification Sherloc (09022015). Collection method: clinical testing. Allele origin: germline.

Mayo Clinic Laboratories, Mayo Clinic
Classification: Likely benign. Last evaluated: 2025-11-22. Review status: criteria provided, single submitter. Criteria: ACMG Guidelines, 2015. Collection method: clinical testing. Allele origin: germline. Observed: 3 variant alleles.
Comment: BP4, BP7

Athena Diagnostics
Classification: Benign. Last evaluated: 2025-08-29. Review status: criteria provided, single submitter. Criteria: Athena Diagnostics Criteria. Collection method: clinical testing. Allele origin: unknown.
Comment: The frequency of this variant in the general population is higher than would generally be expected for pathogenic variants in this gene. Computational tools yielded predictions that this variant is unlikely to have an effect on normal RNA splicing. This nucleotide position exhibits low evolutionary conservation.

Molecular Diagnostic Laboratory for Inherited Cardiovascular Disease, Montreal Heart Institute
Classification: Likely benign. Last evaluated: 2025-04-09. Review status: criteria provided, single submitter. Criteria: ACMG Guidelines, 2015. Collection method: clinical testing. Allele origin: germline. Affected: no.

Blueprint Genetics
Classification: Likely benign. Last evaluated: 2024-10-17. Review status: criteria provided, single submitter. Criteria: ACMG Guidelines, 2015. Collection method: clinical testing. Allele origin: germline.

CHEO Genetics Diagnostic Laboratory, Children's Hospital of Eastern Ontario
Classification: Likely benign for Cardiomyopathy. Last evaluated: 2023-05-16. Review status: criteria provided, single submitter. Criteria: ACMG Guidelines, 2015. Collection method: clinical testing. Allele origin: germline.

Illumina Laboratory Services, Illumina
Classification: Benign for Tibial muscular dystrophy. Last evaluated: 2018-01-13. Review status: criteria provided, single submitter. Criteria: ICSL Variant Classification Criteria 13 December 2019. Collection method: clinical testing. Allele origin: germline.
Comment: This variant was observed in the ICSL laboratory as part of a predisposition screen in an ostensibly healthy population. It had not been previously curated by ICSL or reported in the Human Gene Mutation Database (HGMD: prior to June 1st, 2018), and was therefore a candidate for classification through an automated scoring system. Utilizing variant allele frequency, disease prevalence and penetrance estimates, and inheritance mode, an automated score was calculated to assess if this variant is too frequent to cause the disease. Based on the score and internal cut-off values, a variant classified as benign is not then subjected to further curation. The score for this variant resulted in a classification of benign for this disease.

Illumina Laboratory Services, Illumina
Classification: Uncertain significance for Dilated cardiomyopathy 1G. Last evaluated: 2018-01-13. Review status: criteria provided, single submitter. Criteria: ICSL Variant Classification Criteria 13 December 2019. Collection method: clinical testing. Allele origin: germline.

Illumina Laboratory Services, Illumina
Classification: Uncertain significance for Early-onset myopathy with fatal cardiomyopathy. Last evaluated: 2018-01-13. Review status: criteria provided, single submitter. Criteria: ICSL Variant Classification Criteria 13 December 2019. Collection method: clinical testing. Allele origin: germline.

Illumina Laboratory Services, Illumina
Classification: Benign for Myopathy, myofibrillar, 9, with early respiratory failure. Last evaluated: 2018-01-13. Review status: criteria provided, single submitter. Criteria: ICSL Variant Classification Criteria 13 December 2019. Collection method: clinical testing. Allele origin: germline.
Comment: the same text as in the submission from Illumina Laboratory Services, Illumina above.

Illumina Laboratory Services, Illumina
Classification: Uncertain significance for Autosomal recessive limb-girdle muscular dystrophy type 2J. Last evaluated: 2018-01-13. Review status: criteria provided, single submitter. Criteria: ICSL Variant Classification Criteria 13 December 2019. Collection method: clinical testing. Allele origin: germline.

Ambry Genetics
Classification: Likely benign for Cardiovascular phenotype. Last evaluated: 2017-05-30. Review status: criteria provided, single submitter. Criteria: Ambry Variant Classification Scheme 2023. Collection method: clinical testing. Allele origin: germline.

Eurofins Ntd Llc (ga)
Classification: Uncertain significance. Last evaluated: 2017-01-17. Review status: criteria provided, single submitter. Criteria: EGL Classification Definitions 2015. Collection method: clinical testing. Allele origin: germline. Observed: 4 variant alleles, 4 heterozygotes.

Laboratory for Molecular Medicine, Mass General Brigham Personalized Medicine
Classification: Likely benign. Last evaluated: 2015-08-06. Review status: criteria provided, single submitter. Criteria: LMM Criteria. Collection method: clinical testing. Allele origin: germline. Observed: 2 variant alleles.
Comment: p.Asn12523Asn in exon 194 of TTN: This variant is not expected to have clinical significance because it does not alter an amino acid residue and is not located within the splice consensus sequence. It has been identified in 32/66514 Europea n chromosomes by the Exome Aggregation Consortium (ExAC; dbSNP rs72677223).

GeneDx
Classification: Benign. Last evaluated: 2014-10-23. Review status: criteria provided, single submitter. Criteria: GeneDx Variant Classification (06012015). Collection method: clinical testing. Allele origin: germline. Affected: yes.
Comment: This variant is considered likely benign or benign based on one or more of the following criteria: it is a conservative change, it occurs at a poorly conserved position in the protein, it is predicted to be benign by multiple in silico algorithms, and/or has population frequency not consistent with disease.

PreventionGenetics, part of Exact Sciences
Classification: Likely benign for TTN-related condition. Last evaluated: 2022-04-11. Review status: no assertion criteria provided. Collection method: clinical testing. Allele origin: germline. Not counted in ClinVar's aggregate classification.
Comment: This variant is classified as likely benign based on ACMG/AMP sequence variant interpretation guidelines (Richards et al. 2015 PMID: 25741868, with internal and published modifications).

Clinical Genetics DNA and cytogenetics Diagnostics Lab, Erasmus MC, Erasmus Medical Center
Classification: Likely benign. Review status: no assertion criteria provided. Collection method: clinical testing. Allele origin: germline. Affected: yes. Study: VKGL Data-share Consensus. Not counted in ClinVar's aggregate classification.

Diagnostic Laboratory, Department of Genetics, University Medical Center Groningen
Classification: Likely benign. Review status: no assertion criteria provided. Collection method: clinical testing. Allele origin: germline. Affected: yes. Study: VKGL Data-share Consensus. Not counted in ClinVar's aggregate classification.

Joint Genome Diagnostic Labs from Nijmegen and Maastricht, Radboudumc and MUMC+
Classification: Likely benign. Review status: no assertion criteria provided. Collection method: clinical testing. Allele origin: germline. Affected: yes. Study: VKGL Data-share Consensus. Not counted in ClinVar's aggregate classification.

Laboratory of Diagnostic Genome Analysis, Leiden University Medical Center (LUMC)
Classification: Likely benign. Review status: no assertion criteria provided. Collection method: clinical testing. Allele origin: germline. Affected: yes. Study: VKGL Data-share Consensus. Not counted in ClinVar's aggregate classification.